The following is an entry in ClinVar:

ClinVar aggregate classification (germline): Uncertain significance (1 of 4 stars; one submission).

Conditions:
Neurodevelopmental disorder with or without anomalies of the brain, eye, or heart (NEDBEH). Identifiers: Orphanet 494344, MedGen C5567477, MONDO:0014857, OMIM 616975.

Allele frequency attached by ClinVar (database versions not stated): gnomAD exomes below 0.00001.
gnomAD v4.1: 1 of 1,507,776 alleles (0.000066%); highest among the groups gnomAD compares: Non-Finnish European, 0.000088%; no homozygotes.

Submission:

Clinical Genomics Laboratory, Washington University in St. Louis
Classification: Uncertain significance for Neurodevelopmental disorder with or without anomalies of the brain, eye, or heart. Last evaluated: 2023-08-09. Review status: criteria provided, single submitter. Criteria: ACMG Guidelines, 2015. Collection method: clinical testing. Allele origin: germline.
Comment: The RERE c.4457A>G (p.Glu1486Gly) variant, to our knowledge, has not been reported in the medical literature and is absent from the general population (gnomAD v.2.1.1), indicating it is not a common variant. The amino acid at this position occurs in the histidine rich Atrophin-1 domain and the variant replaces a negatively charged glutamic acid with a non-polar, uncharged glycine. Computational predictors are uncertain as to the impact of this variant on RERE function. However, several missense variants in this region have been described in affected individuals and are considered pathogenic (Jordan VK et al., PMID: 29330883). Due to limited information, and based on ACMG/AMP guidelines for variant interpretation (Richards S et al., PMID: 25741868), the clinical significance of this variant is uncertain at this time.

NM_001042681.2(RERE):c.4457A>G (p.Glu1486Gly)

Gene: RERE (arginine-glutamic acid dipeptide repeats; minus strand). Cytogenetic location: 1p36.23.
Variant type: single nucleotide variant.
Coding change: c.4457A>G on transcript NM_001042681.2 (MANE Select); coding-DNA position 4457, A replaced by G.
Protein change: p.Glu1486Gly; replaces glutamic acid 1486 with glycine.
Molecular consequence: missense variant.
Genome position (GRCh38, 1-based): chr1:8,356,129, T>C on the plus strand (A>G on the coding strand, the complement: RERE is on the minus strand). VCF-style: chr1-8356129-T-C. GRCh37 (hg19) VCF-style: chr1-8416189-T-C.
Other names: c.2795A>G, p.Glu932Gly (NM_001042682.2); c.4457A>G, p.Glu1486Gly (NM_012102.4); short protein forms E1486G, E932G.
Identifiers: ClinVar variation 2672199 (VCV002672199.1), dbSNP rs2522680251, ClinGen allele CA338168455.
Genomic context (GRCh38, chr1:8,356,129, plus strand): 5'-CTCCCCGCCCCTCCTGGAGGGGAAGTCTTACCGAAAACTGGGTGGCGAAGCATCTCGTGC[T>C]CGTGTGGGGGCTGTCCAAGCAGAGGGTTGGGGAGAGTGCCAGGCGGGTAGGGGAAGCGAG-3'
Protein context (NP_001036146.1, residues 1476-1496): PNPLLGQPPH[Glu1486Gly]HEMLRHPVFG